The following is an entry in ClinVar:

NM_130837.3(OPA1):c.2140C>T (p.Gln714Ter)

Gene: OPA1 (OPA1 mitochondrial dynamin like GTPase; plus strand). Cytogenetic location: 3q29.
Variant type: single nucleotide variant.
Coding change: c.2140C>T on transcript NM_130837.3 (MANE Select); coding-DNA position 2140, C replaced by T.
Protein change: p.Gln714Ter; replaces glutamine 714 with a stop codon.
Molecular consequence: nonsense.
Genome position (GRCh38, 1-based): chr3:193,654,989, C>T. VCF-style: chr3-193654989-C-T. GRCh37 (hg19) VCF-style: chr3-193372778-C-T.
Other names: c.1606C>T, p.Gln536Ter (NM_001354663.2); c.1603C>T, p.Gln535Ter (NM_001354664.2); c.1975C>T, p.Gln659Ter (NM_015560.3); c.1867C>T, p.Gln623Ter (NM_130831.3); c.1921C>T, p.Gln641Ter (NM_130832.3); c.1978C>T, p.Gln660Ter (NM_130833.3); c.2029C>T, p.Gln677Ter (NM_130834.3); c.2032C>T, p.Gln678Ter (NM_130835.3); and 1 more; short protein forms Q535*, Q536*, Q623*, Q641*, Q659*, Q660*, Q677*, Q678*.
Identifiers: ClinVar variation 1807041 (VCV001807041.1), dbSNP rs2475018588, ClinGen allele CA355791249.

ClinVar aggregate classification (germline): Pathogenic (1 of 4 stars; one submission).

Submission:

Athena Diagnostics
Classification: Pathogenic. Last evaluated: 2021-11-12. Review status: criteria provided, single submitter. Criteria: Athena Diagnostics Criteria. Collection method: clinical testing. Allele origin: unknown.
Comment: This variant is expected to result in the loss of a functional protein. This variant has not been reported in large, multi-ethnic general populations. This variant has been identified in at least one individual tested at Athena Diagnostics with clinical features associated with this gene.